The following is an entry in ClinVar:

NM_000321.3(RB1):c.380+1G>A

Gene: RB1 (RB transcriptional corepressor 1; plus strand). Cytogenetic location: 13q14.2.
Variant type: single nucleotide variant.
Coding change: c.380+1G>A on transcript NM_000321.3 (MANE Select); the canonical splice donor site of the intron after coding-DNA position 380, G replaced by A.
Molecular consequence: splice donor variant.
Genome position (GRCh38, 1-based): chr13:48,342,715, G>A. VCF-style: chr13-48342715-G-A. GRCh37 (hg19) VCF-style: chr13-48916851-G-A.
Other names: c.380+1G>A (NM_001407165.1, NM_001407166.1).
Identifiers: ClinVar variation 428727 (VCV000428727.15), dbSNP rs1131690902, ClinGen allele CA388252578.

ClinVar aggregate classification (germline): Pathogenic. Review status: criteria provided, multiple submitters, no conflicts (2 of 4 stars). 3 submissions from 3 submitters: Pathogenic (3). Last evaluated 2022-04-16.

Conditions:
Hereditary cancer-predisposing syndrome. Also called: Hereditary Cancer Syndrome; Neoplastic Syndromes, Hereditary; Hereditary neoplastic syndrome; Tumor predisposition. Identifiers: Orphanet 140162, MedGen C0027672, MeSH D009386, MONDO:0015356.
Retinoblastoma (RB1). Also called: RETINOBLASTOMA, SOMATIC. Identifiers: Orphanet 790, MedGen C0035335, MeSH D012175, MONDO:0008380, OMIM 180200, HP:0009919. Disease mechanism: loss of function. Inheritance: Both sporadic and heritable forms are tested..

Allele frequency attached by ClinVar (database versions not stated): gnomAD exomes below 0.00001.
gnomAD v4.1: 1 of 1,579,406 alleles (0.000063%); highest among the groups gnomAD compares: Non-Finnish European, 0.000087%; no homozygotes.

Submissions (3):

Labcorp Genetics (formerly Invitae), Labcorp
Classification: Pathogenic for Retinoblastoma. Last evaluated: 2022-04-16. Review status: criteria provided, single submitter. Criteria: Invitae Variant Classification Sherloc (09022015). Collection method: clinical testing. Allele origin: germline.
Comment: This sequence change affects a donor splice site in intron 3 of the RB1 gene. RNA analysis indicates that disruption of this splice site induces altered splicing and may result in an absent or disrupted protein product. This variant is not present in population databases (gnomAD no frequency). Disruption of this splice site has been observed in individual(s) with bilateral retinoblastoma (PMID: 22963398). ClinVar contains an entry for this variant (Variation ID: 428727). Studies have shown that disruption of this splice site results in skipping of exon 3 and introduces a premature termination codon (Invitae). The resulting mRNA is expected to undergo nonsense-mediated decay. For these reasons, this variant has been classified as Pathogenic.

Genetics Program, Instituto Nacional de Cancer
Classification: Pathogenic for Retinoblastoma. Last evaluated: 2020-08-20. Review status: criteria provided, single submitter. Criteria: ACMG Guidelines, 2015. Collection method: research. Allele origin: somatic. Affected: yes. Observed: 1 variant allele.
Comment: Gene panel by NGS. Splice site variant. Found in one tumor, allele frequency =0.071. Confirmed by AS-PCR.

Ambry Genetics
Classification: Pathogenic for Hereditary cancer-predisposing syndrome. Last evaluated: 2016-01-27. Review status: criteria provided, single submitter. Criteria: Ambry Variant Classification Scheme 2023. Collection method: clinical testing. Allele origin: germline.
Comment: The c.380+1G>A intronic pathogenic mutation results from a G to A substitution one nucleotide after coding exon 3 of the RB1 gene. This mutation has been reported in multiple individuals with bilateral retinoblastoma (Seo SH et al. Clin. Genet. 2013 May; 83(5):494-6; Yilmaz S et al. Hum. Mutat. 1998 ; 12(6):434). Of note, this mutation has been reported as IVS3+1G>A in the published literature. In addition to the clinical data presented in the literature, since alterations that disrupt the canonical splice donor site are typically deleterious in nature, this alteration is interpreted as a disease-causing mutation (ACMG Recommendations for Standards for Interpretation and Reporting of Sequence Variations. Revision 2007. Genet Med. 2008;10:294).

Literature cited by the submitters: PubMed 22963398 (cited by Labcorp Genetics (formerly Invitae), Labcorp and Ambry Genetics); PubMed 10671068 (cited by Ambry Genetics).